The following is an entry in ClinVar:

ClinVar aggregate classification (germline): Uncertain significance (1 of 4 stars; one submission).

Conditions:
Developmental and epileptic encephalopathy, 23 (DEE23). Also called: Epileptic encephalopathy, early infantile, 23. Identifiers: Orphanet 411986, MedGen C4014492, MONDO:0014371, OMIM 615859.

Submission:

Labcorp Genetics (formerly Invitae), Labcorp
Classification: Uncertain significance for Developmental and epileptic encephalopathy, 23. Last evaluated: 2021-04-28. Review status: criteria provided, single submitter. Criteria: Invitae Variant Classification Sherloc (09022015). Collection method: clinical testing. Allele origin: germline.
Comment: In summary, the available evidence is currently insufficient to determine the role of this variant in disease. Therefore, it has been classified as a Variant of Uncertain Significance. Algorithms developed to predict the effect of missense changes on protein structure and function (SIFT, PolyPhen-2, Align-GVGD) all suggest that this variant is likely to be tolerated, but these predictions have not been confirmed by published functional studies and their clinical significance is uncertain. This variant has not been reported in the literature in individuals with DOCK7-related conditions. This variant is not present in population databases (ExAC no frequency). This sequence change replaces leucine with arginine at codon 1205 of the DOCK7 protein (p.Leu1205Arg). The leucine residue is moderately conserved and there is a moderate physicochemical difference between leucine and arginine.

NM_001367561.1(DOCK7):c.3614T>G (p.Leu1205Arg)

Gene: DOCK7 (dedicator of cytokinesis 7; minus strand). Cytogenetic location: 1p31.3.
Variant type: single nucleotide variant.
Coding change: c.3614T>G on transcript NM_001367561.1 (MANE Select); coding-DNA position 3614, T replaced by G.
Protein change: p.Leu1205Arg; replaces leucine 1205 with arginine.
Molecular consequence: missense variant.
Genome position (GRCh38, 1-based): chr1:62,529,444, A>C on the plus strand (T>G on the coding strand, the complement: DOCK7 is on the minus strand). VCF-style: chr1-62529444-A-C. GRCh37 (hg19) VCF-style: chr1-62995115-A-C.
Other names: c.3614T>G, p.Leu1205Arg (NM_001271999.2, NM_001330614.2); c.3521T>G, p.Leu1174Arg (NM_001272000.2, NM_001272001.2, NM_033407.4); short protein forms L1205R, L1174R.
Identifiers: ClinVar variation 1466091 (VCV001466091.8), dbSNP rs2149373177, ClinGen allele CA340601502.